The following is an entry in ClinVar:

NM_019888.3(MC3R):c.947G>A (p.Gly316Asp)

Gene: MC3R (melanocortin 3 receptor; plus strand). Cytogenetic location: 20q13.2.
Variant type: single nucleotide variant.
Coding change: c.947G>A on transcript NM_019888.3 (MANE Select); coding-DNA position 947, G replaced by A.
Protein change: p.Gly316Asp; replaces glycine 316 with aspartic acid.
Molecular consequence: missense variant.
Genome position (GRCh38, 1-based): chr20:56,249,790, G>A. VCF-style: chr20-56249790-G-A. GRCh37 (hg19) VCF-style: chr20-54824846-G-A.
Other names: short protein forms G316D.
Identifiers: ClinVar variation 4977029 (VCV004977029.1).

ClinVar aggregate classification (germline): Uncertain significance (1 of 4 stars; one submission).

Conditions:
MC3R-related disorder. Also called: MC3R-related condition.

Submission:

PreventionGenetics, part of Exact Sciences
Classification: Uncertain significance for MC3R-related condition. Last evaluated: 2026-07-21. Review status: criteria provided, single submitter. Criteria: ACMG Guidelines, 2015. Collection method: clinical testing. Allele origin: germline.
Comment: The MC3R c.947G>A variant is predicted to result in the amino acid substitution p.Gly316Asp. To our knowledge, this variant has not been reported in the literature. This variant is reported in 0.0018% of alleles in individuals of European (Non-Finnish) descent in gnomAD. At this time, the clinical significance of this variant is uncertain due to the absence of conclusive functional and genetic evidence.